The following is an entry in ClinVar:

NM_001080.3(ALDH5A1):c.1174-85del

Gene: ALDH5A1 (aldehyde dehydrogenase 5 family member A1; plus strand). Cytogenetic location: 6p22.3.
Variant type: Deletion.
Coding change: c.1174-85del on transcript NM_001080.3 (MANE Select); 85 bases into the intron before coding-DNA position 1174, one base deleted (A; older notation c.1174-85delA).
Molecular consequence: intron variant.
Genome position (GRCh38, 1-based): chr6:24,527,912, A deleted; the last of 9 consecutive A bases (chr6:24,527,904-24,527,912); deleting any one gives the same sequence. VCF-style (leftmost placement, unchanged base first): chr6-24527903-GA-G. GRCh37 (hg19) VCF-style: chr6-24528131-GA-G.
Other names: c.1213-85del (NM_170740.1); c.1030-85del (NM_001368954.1).
Identifiers: ClinVar variation 1246742 (VCV001246742.4), dbSNP rs4646848, ClinGen allele CA136139194.

ClinVar aggregate classification (germline): Benign. Review status: criteria provided, multiple submitters, no conflicts (2 of 4 stars). 2 submissions from 2 submitters: Benign (2). Last evaluated 2024-07-31.

Submissions (2):

Unidad de Genómica Garrahan, Hospital de Pediatría Garrahan
Classification: Benign. Last evaluated: 2024-07-31. Review status: criteria provided, single submitter. Criteria: ACMG Guidelines, 2015. Collection method: clinical testing. Allele origin: germline. Affected: no. Observed: 19 variant alleles.
Comment: This variant is classified as Benign based on local population frequency. This variant was detected in 20% of patients studied in a panel designed for Epileptic and Developmental Encephalopathy, Progressive Myoclonus Epilepsy and Abnormal Movements and Neurodegeneration with brain iron accumulation. Number of patients: 19. Only high quality variants are reported.

GeneDx
Classification: Benign. Last evaluated: 2019-01-02. Review status: criteria provided, single submitter. Criteria: GeneDx Variant Classification Process June 2021. Collection method: clinical testing. Allele origin: germline. Affected: yes.